The following is an entry in ClinVar:

ClinVar aggregate classification (germline): Benign (1 of 4 stars; one submission).

Conditions:
Pancreatic cancer, susceptibility to, 1. Identifiers: Orphanet 1333, MedGen C1847351, MONDO:0011739, OMIM 606856.

Allele frequency attached by ClinVar (database versions not stated): 1000 Genomes Project 30x 0.00031; 1000 Genomes Project 0.00040; gnomAD 0.00083 and 0.00088; TOPMed 0.00093.

Submission:

Illumina Laboratory Services, Illumina
Classification: Benign for Pancreatic cancer, susceptibility to, 1. Last evaluated: 2018-01-13. Review status: criteria provided, single submitter. Criteria: ICSL Variant Classification Criteria 13 December 2019. Collection method: clinical testing. Allele origin: germline.
Comment: This variant was observed in the ICSL laboratory as part of a predisposition screen in an ostensibly healthy population. It had not been previously curated by ICSL or reported in the Human Gene Mutation Database (HGMD: prior to June 1st, 2018), and was therefore a candidate for classification through an automated scoring system. Utilizing variant allele frequency, disease prevalence and penetrance estimates, and inheritance mode, an automated score was calculated to assess if this variant is too frequent to cause the disease. Based on the score and internal cut-off values, a variant classified as benign is not then subjected to further curation. The score for this variant resulted in a classification of benign for this disease.

NM_001166108.2(PALLD):c.-179G>C

Gene: PALLD (palladin, cytoskeletal associated protein; plus strand). Cytogenetic location: 4q32.3.
Variant type: single nucleotide variant.
Coding change: c.-179G>C on transcript NM_001166108.2 (MANE Select); 179 bases upstream of the start codon, G replaced by C.
Molecular consequence: 5 prime UTR variant.
Genome position (GRCh38, 1-based): chr4:168,497,098, G>C. VCF-style: chr4-168497098-G-C. GRCh37 (hg19) VCF-style: chr4-169418249-G-C.
Other names: c.-179G>C (NM_016081.4).
Identifiers: ClinVar variation 348017 (VCV000348017.5), dbSNP rs540595354, ClinGen allele CA10620458.
Genomic context (GRCh38, chr4:168,497,098, plus strand): 5'-GAGAGTCTGAGGCCACAGTTGCCTCAAAGTGACCACGGACCAGGCAGTCTCTAATGAATA[G>C]GCAAGGCCACAACCTCCATTCTCCCAGAAAAGAAGAAATGCTCATCTGAAATTCATCACC-3'